The following is an entry in ClinVar:

NM_002485.5(NBN):c.2256del (p.Arg753fs)

Gene: NBN (nibrin; minus strand). Cytogenetic location: 8q21.3.
Variant type: Deletion.
Coding change: c.2256del on transcript NM_002485.5 (MANE Select); coding-DNA position 2256, one base deleted (G; older notation c.2256delG).
Protein change: p.Arg753fs; shifts the reading frame from arginine 753.
Molecular consequence: frameshift variant.
Genome position (GRCh38, 1-based): chr8:89,935,591, C deleted on the plus strand (G on the coding strand, the reverse complement: NBN is on the minus strand); the first of 2 consecutive C bases (chr8:89,935,591-89,935,592); deleting either gives the same sequence. VCF-style (leftmost placement, unchanged base first): chr8-89935590-TC-T. GRCh37 (hg19) VCF-style: chr8-90947818-TC-T.
Other names: c.2010del, p.Arg671fs (NM_001024688.3); short protein forms R753fs, R671fs.
Identifiers: ClinVar variation 853227 (VCV000853227.9), dbSNP rs1809632346, ClinGen allele CA916080398.

ClinVar aggregate classification (germline): Uncertain significance (1 of 4 stars; one submission).

Conditions:
Microcephaly, normal intelligence and immunodeficiency (NBS). Also called: Microcephaly with normal intelligence immunodeficiency and lymphoreticular malignancies; Nonsyndromal microcephaly autosomal recessive with normal intelligence; Seemanova syndrome 2; Immunodeficiency, microcephaly with normal intelligence; SEEMANOVA SYNDROME II; Ataxia telangiectasia variant V1. Identifiers: Orphanet 647, MedGen C0398791, MONDO:0009623, OMIM 251260.

Submission:

Labcorp Genetics (formerly Invitae), Labcorp
Classification: Uncertain significance for Microcephaly, normal intelligence and immunodeficiency. Last evaluated: 2019-01-29. Review status: criteria provided, single submitter. Criteria: Invitae Variant Classification Sherloc (09022015). Collection method: clinical testing. Allele origin: germline.
Comment: In summary, the available evidence is currently insufficient to determine the role of this variant in disease. Therefore, it has been classified as a Variant of Uncertain Significance. Algorithms developed to predict the effect of sequence changes on RNA splicing suggest that this variant may create or strengthen a splice site, but this prediction has not been confirmed by published transcriptional studies. Experimental studies and prediction algorithms are not available for this variant, and the functional significance of the affected amino acid(s) is currently unknown. This variant has not been reported in the literature in individuals with NBN-related conditions. This variant is not present in population databases (ExAC no frequency). This sequence change results in a frameshift in the NBN gene (p.Arg753Glufs*4). While this is not anticipated to result in nonsense mediated decay, it is expected to disrupt the last 2 amino acids of the NBN protein and extend the protein by an additional 1 amino acid.